The following is an entry in ClinVar:

ClinVar aggregate classification (germline): Uncertain significance. Review status: criteria provided, multiple submitters, no conflicts (2 of 4 stars). 2 submissions from 2 submitters: Uncertain significance (2). Last evaluated 2023-05-17.

Conditions:
Combined deficiency of sialidase AND beta galactosidase (GSL). Also called: Galactosialidosis; CATHEPSIN A DEFICIENCY; GOLDBERG SYNDROME; NEURAMINIDASE DEFICIENCY WITH BETA-GALACTOSIDASE DEFICIENCY; NEURAMINIDASE/BETA-GALACTOSIDASE EXPRESSION; PPCA DEFICIENCY. Identifiers: Orphanet 351, MedGen C0268233, MONDO:0009737, OMIM 256540.
Inborn genetic diseases. Identifiers: MedGen C0950123, MeSH D030342.

Allele frequency attached by ClinVar (database versions not stated): ExAC 0.00001; gnomAD 0.00001; TOPMed 0.00002; gnomAD exomes 0.00003.
gnomAD v4.1: 41 of 1,612,066 alleles (0.0025%); highest among the groups gnomAD compares: Non-Finnish European, 0.0034%; no homozygotes.

Submissions (2):

Ambry Genetics
Classification: Uncertain significance for Inborn genetic diseases. Last evaluated: 2023-05-17. Review status: criteria provided, single submitter. Criteria: Ambry Variant Classification Scheme 2023. Collection method: clinical testing. Allele origin: germline.

Labcorp Genetics (formerly Invitae), Labcorp
Classification: Uncertain significance for Combined deficiency of sialidase AND beta galactosidase. Last evaluated: 2022-03-22. Review status: criteria provided, single submitter. Criteria: Invitae Variant Classification Sherloc (09022015). Collection method: clinical testing. Allele origin: germline.
Comment: This sequence change replaces glutamine, which is neutral and polar, with arginine, which is basic and polar, at codon 406 of the CTSA protein (p.Gln406Arg). This variant is present in population databases (rs771732318, gnomAD 0.004%). This variant has not been reported in the literature in individuals affected with CTSA-related conditions. Algorithms developed to predict the effect of missense changes on protein structure and function are either unavailable or do not agree on the potential impact of this missense change (SIFT: "Not Available"; PolyPhen-2: "Benign"; Align-GVGD: "Not Available"). Algorithms developed to predict the effect of sequence changes on RNA splicing suggest that this variant may disrupt the consensus splice site. In summary, the available evidence is currently insufficient to determine the role of this variant in disease. Therefore, it has been classified as a Variant of Uncertain Significance.

NM_000308.4(CTSA):c.1163A>G (p.Gln388Arg)

Gene: CTSA (cathepsin A; plus strand). Cytogenetic location: 20q13.12.
Variant type: single nucleotide variant.
Coding change: c.1163A>G on transcript NM_000308.4 (MANE Select); coding-DNA position 1163, A replaced by G.
Protein change: p.Gln388Arg; replaces glutamine 388 with arginine.
Molecular consequence: missense variant. On other transcripts: non-coding transcript variant (1).
Genome position (GRCh38, 1-based): chr20:45,897,039, A>G. VCF-style: chr20-45897039-A-G. GRCh37 (hg19) VCF-style: chr20-44525678-A-G.
Other names: c.1163A>G, p.Gln388Arg (NM_001127695.3); c.1112A>G, p.Gln371Arg (NM_001167594.3); c.1217A>G (NM_000308.2); short protein forms Q371R, Q388R.
Identifiers: ClinVar variation 2139842 (VCV002139842.3), dbSNP rs771732318, ClinGen allele CA9883302.
Genomic context (GRCh38, chr20:45,897,039, plus strand): 5'-TACAGTACCGCCGTCTCTACCGAAGCATGAACTCCCAGTATCTGAAGCTGCTTAGCTCAC[A>G]GGTGAGTGGGGAGAGCACAGCTGGATCACCAGCAGCCTTAGGACCCCAGAGTAGCACAGC-3'
Protein context (NP_000299.3, residues 378-398): NSQYLKLLSS[Gln388Arg]KYQILLYNGD